The following is an entry in ClinVar:

NM_005188.4(CBL):c.1365TGA[3] (p.Asp458_Asp460del)

Gene: CBL (Cbl proto-oncogene; plus strand). Cytogenetic location: 11q23.3.
Variant type: Microsatellite.
Coding change: c.1365TGA[3] on transcript NM_005188.4 (MANE Select); three copies in a row of the 3-base unit TGA starting at c.1365; the reference has six copies in a row; three copies, 9 bases deleted.
Protein change: p.Asp458_Asp460del.
Molecular consequence: inframe deletion.
Genome position (GRCh38, 1-based): chr11:119,278,656-119,278,664, TGATGATGA deleted; deleting any 9 consecutive bases within chr11:119,278,646-119,278,664 gives the same sequence; the position shown is the placement nearest the transcript's 3' end. VCF-style (leftmost placement, unchanged base first): chr11-119278645-TATGATGATG-T. GRCh37 (hg19) VCF-style: chr11-119149355-TATGATGATG-T.
Identifiers: ClinVar variation 2769880 (VCV002769880.3), dbSNP rs397507494, ClinGen allele CA2697559055.
Genomic context (GRCh38, chr11:119,278,645, plus strand): 5'-GATCCTAGAGGGAGTGGCAGCCTGTTGAGGCAAGGAGCAGAGGGAGCTCCCTCCCCAAAT[TATGATGATG>T]ATGATGATGAACGAGCTGATGATACTCTCTTCATGATGAAGGAATTGGCTGGTGCCAAGG-3'

ClinVar aggregate classification (germline): Uncertain significance (1 of 4 stars; one submission).

Conditions:
RASopathy. Also called: rasopathies; Noonan spectrum disorder. Identifiers: Orphanet 536391, MedGen C5555857, MONDO:0021060.

Submission:

Labcorp Genetics (formerly Invitae), Labcorp
Classification: Uncertain significance for RASopathy. Last evaluated: 2023-06-05. Review status: criteria provided, single submitter. Criteria: Invitae Variant Classification Sherloc (09022015). Collection method: clinical testing. Allele origin: germline.
Comment: In summary, the available evidence is currently insufficient to determine the role of this variant in disease. Therefore, it has been classified as a Variant of Uncertain Significance. Experimental studies and prediction algorithms are not available or were not evaluated, and the functional significance of this variant is currently unknown. This variant has not been reported in the literature in individuals affected with CBL-related conditions. This variant is not present in population databases (gnomAD no frequency). This variant, c.1374_1382del, results in the deletion of 3 amino acid(s) of the CBL protein (p.Asp458_Asp460del), but otherwise preserves the integrity of the reading frame.